The following is an entry in ClinVar:

NM_001025616.3(ARHGAP24):c.733G>A (p.Gly245Ser)

Gene: ARHGAP24 (Rho GTPase activating protein 24; plus strand). Cytogenetic location: 4q21.23.
Variant type: single nucleotide variant.
Coding change: c.733G>A on transcript NM_001025616.3 (MANE Select); coding-DNA position 733, G replaced by A.
Protein change: p.Gly245Ser; replaces glycine 245 with serine.
Molecular consequence: missense variant.
Genome position (GRCh38, 1-based): chr4:85,974,888, G>A. VCF-style: chr4-85974888-G-A. GRCh37 (hg19) VCF-style: chr4-86896041-G-A.
Other names: c.448G>A, p.Gly150Ser (NM_001042669.2); c.478G>A, p.Gly160Ser (NM_001287805.2); c.154G>A, p.Gly52Ser (NM_001346093.2); c.454G>A, p.Gly152Ser (NM_031305.3); short protein forms G150S, G152S, G160S, G245S, G52S.
Identifiers: ClinVar variation 3625072 (VCV003625072.2).

ClinVar aggregate classification (germline): Uncertain significance (1 of 4 stars; one submission).

gnomAD v4.1: 43 of 1,613,170 alleles (0.0027%); highest among the groups gnomAD compares: Non-Finnish European, 0.0034%; no homozygotes.

Submission:

Labcorp Genetics (formerly Invitae), Labcorp
Classification: Uncertain significance. Last evaluated: 2025-06-14. Review status: criteria provided, single submitter. Criteria: Invitae Variant Classification Sherloc (09022015). Collection method: clinical testing. Allele origin: germline.
Comment: This sequence change replaces glycine, which is neutral and non-polar, with serine, which is neutral and polar, at codon 245 of the ARHGAP24 protein (p.Gly245Ser). This variant is present in population databases (rs138568771, gnomAD 0.006%). This variant has not been reported in the literature in individuals affected with ARHGAP24-related conditions. ClinVar contains an entry for this variant (Variation ID: 3625072). An algorithm developed to predict the effect of missense changes on protein structure and function (PolyPhen-2) suggests that this variant is likely to be tolerated. In summary, the available evidence is currently insufficient to determine the role of this variant in disease. Therefore, it has been classified as a Variant of Uncertain Significance.